The following is an entry in ClinVar:

NM_001408.3(CELSR2):c.4157G>A (p.Arg1386His)

Gene: CELSR2 (cadherin EGF LAG seven-pass G-type receptor 2; plus strand). Cytogenetic location: 1p13.3.
Variant type: single nucleotide variant.
Coding change: c.4157G>A on transcript NM_001408.3 (MANE Select); coding-DNA position 4157, G replaced by A.
Protein change: p.Arg1386His; replaces arginine 1386 with histidine.
Molecular consequence: missense variant.
Genome position (GRCh38, 1-based): chr1:109,261,240, G>A. VCF-style: chr1-109261240-G-A. GRCh37 (hg19) VCF-style: chr1-109803862-G-A.
Other names: short protein forms R1386H.
Identifiers: ClinVar variation 2718964 (VCV002718964.3), dbSNP rs753369355, ClinGen allele CA987128.

ClinVar aggregate classification (germline): Uncertain significance (1 of 4 stars; one submission).

Allele frequency attached by ClinVar (database versions not stated): TOPMed below 0.00001; ExAC 0.00001; gnomAD 0.00001; gnomAD exomes 0.00002.

Submission:

Labcorp Genetics (formerly Invitae), Labcorp
Classification: Uncertain significance. Last evaluated: 2023-12-20. Review status: criteria provided, single submitter. Criteria: Invitae Variant Classification Sherloc (09022015). Collection method: clinical testing. Allele origin: germline.
Comment: This sequence change replaces arginine, which is basic and polar, with histidine, which is basic and polar, at codon 1386 of the CELSR2 protein (p.Arg1386His). This variant is present in population databases (rs753369355, gnomAD 0.01%). This variant has not been reported in the literature in individuals affected with CELSR2-related conditions. Advanced modeling of protein sequence and biophysical properties (such as structural, functional, and spatial information, amino acid conservation, physicochemical variation, residue mobility, and thermodynamic stability) performed at Invitae indicates that this missense variant is expected to disrupt CELSR2 protein function with a positive predictive value of 80%. In summary, the available evidence is currently insufficient to determine the role of this variant in disease. Therefore, it has been classified as a Variant of Uncertain Significance.